The following is an entry in ClinVar:

ClinVar aggregate classification (germline): Uncertain significance (1 of 4 stars; one submission).

Allele frequency attached by ClinVar (database versions not stated): ExAC 0.00001; gnomAD 0.00002 and 0.00003; gnomAD exomes 0.00002; TOPMed 0.00005; ESP Exome Variant Server 0.00008.
gnomAD v4.1: 32 of 1,613,894 alleles (0.002%); highest among the groups gnomAD compares: African/African-American, 0.013%; no homozygotes.

Submission:

Labcorp Genetics (formerly Invitae), Labcorp
Classification: Uncertain significance. Last evaluated: 2024-10-16. Review status: criteria provided, single submitter. Criteria: Invitae Variant Classification Sherloc (09022015). Collection method: clinical testing. Allele origin: germline.
Comment: This sequence change affects codon 121 of the RGS9 mRNA. It is a 'silent' change, meaning that it does not change the encoded amino acid sequence of the RGS9 protein. It affects a nucleotide within the consensus splice site. This variant is present in population databases (rs374076090, gnomAD 0.008%). This variant has not been reported in the literature in individuals affected with RGS9-related conditions. ClinVar contains an entry for this variant (Variation ID: 840560). Algorithms developed to predict the effect of sequence changes on RNA splicing suggest that this variant is not likely to affect RNA splicing. In summary, the available evidence is currently insufficient to determine the role of this variant in disease. Therefore, it has been classified as a Variant of Uncertain Significance.

NM_003835.4(RGS9):c.363C>T (p.Tyr121=)

Gene: RGS9 (regulator of G protein signaling 9; plus strand). Cytogenetic location: 17q24.1.
Variant type: single nucleotide variant.
Coding change: c.363C>T on transcript NM_003835.4 (MANE Select); coding-DNA position 363, C replaced by T.
Protein change: p.Tyr121=; no amino-acid change (tyrosine 121 retained).
Molecular consequence: synonymous variant.
Genome position (GRCh38, 1-based): chr17:65,160,586, C>T. VCF-style: chr17-65160586-C-T. GRCh37 (hg19) VCF-style: chr17-63156704-C-T.
Other names: c.363C>T, p.Tyr121= (NM_001081955.3, NM_001165933.2).
Identifiers: ClinVar variation 840560 (VCV000840560.9), dbSNP rs374076090, ClinGen allele CA8717617.